The following is an entry in ClinVar:

ClinVar aggregate classification (germline): Benign/Likely benign. Review status: criteria provided, multiple submitters, no conflicts (2 of 4 stars). 7 submissions from 7 submitters: Benign (2); Likely benign (5). Last evaluated 2026-04-05.

Conditions:
Hereditary cancer-predisposing syndrome. Also called: Hereditary neoplastic syndrome; Tumor predisposition; Neoplastic Syndromes, Hereditary; Hereditary Cancer Syndrome. Identifiers: Orphanet 140162, MedGen C0027672, MeSH D009386, MONDO:0015356.
Dyskeratosis congenita, autosomal recessive 1. Identifiers: Orphanet 1775, MedGen C1857144, MONDO:0009136, OMIM 224230.

Allele frequency attached by ClinVar (database versions not stated): ExAC 0.00094; ESP Exome Variant Server 0.00277; gnomAD 0.00286 and 0.00295; TOPMed 0.00314; 1000 Genomes Project 0.00519; 1000 Genomes Project 30x 0.00531.
gnomAD v4.1: 881 of 1,613,912 alleles (0.055%); highest among the groups gnomAD compares: African/African-American, 1.1%; 5 homozygotes.

Submissions (15):

Dasa
Classification: Likely benign. Last evaluated: 2026-04-05. Review status: criteria provided, single submitter. Criteria: DASA Assertion Criteria. Collection method: clinical testing. Allele origin: germline.
Comment: NM_018648.4(NOP10):c.55-10C>A is a splice-region variant. Observations in unaffected individuals support a benign interpretation. Computational prediction algorithms are consistent with a benign effect. Therefore, based on the currently available evidence, this variant is classified as likely benign.

Labcorp Genetics (formerly Invitae), Labcorp
Classification: Benign for Dyskeratosis congenita, autosomal recessive 1. Last evaluated: 2026-01-28. Review status: criteria provided, single submitter. Criteria: Invitae Variant Classification Sherloc (09022015). Collection method: clinical testing. Allele origin: germline.

Mayo Clinic Laboratories, Mayo Clinic
Classification: Benign. Last evaluated: 2025-07-02. Review status: criteria provided, single submitter. Criteria: ACMG Guidelines, 2015. Collection method: clinical testing. Allele origin: germline. Observed: 3 variant alleles.
Comment: BS1, BS2, BP4, BP7

Blueprint Genetics
Classification: Likely benign. Last evaluated: 2024-10-23. Review status: criteria provided, single submitter. Criteria: ACMG Guidelines, 2015. Collection method: clinical testing. Allele origin: germline.

CeGaT Center for Human Genetics Tuebingen
Classification: Likely benign. Last evaluated: 2023-09-01. Review status: criteria provided, single submitter. Criteria: CeGaT Center For Human Genetics Tuebingen Variant Classification Criteria Version 2. Collection method: clinical testing. Allele origin: germline. Affected: yes. Observed: 1 variant allele.
Comment: NOP10: BP4, BS2

GeneDx
Classification: Likely benign. Last evaluated: 2021-05-18. Review status: criteria provided, single submitter. Criteria: GeneDx Variant Classification Process June 2021. Collection method: clinical testing. Allele origin: germline. Affected: yes.

Sema4
Classification: Likely benign for Hereditary cancer-predisposing syndrome. Last evaluated: 2020-12-15. Review status: criteria provided, single submitter. Criteria: Sema4 Curation Guidelines. Collection method: curation. Allele origin: germline.

Dr. Peter K. Rogan Lab, Western University
No classification provided (evidence only). Condition: Familial cancer of breast. Review status: no classification provided. Collection method: in vitro. Allele origin: not applicable. Functional consequence: retained intron. Not counted in ClinVar's aggregate classification.

Dr. Peter K. Rogan Lab, Western University
No classification provided (evidence only). Condition: Familial cancer of breast. Review status: no classification provided. Collection method: in vitro. Allele origin: not applicable. Functional consequence: retained intron. Not counted in ClinVar's aggregate classification.

Dr. Peter K. Rogan Lab, Western University
No classification provided (evidence only). Condition: Acute myeloid leukemia. Review status: no classification provided. Collection method: in vitro. Allele origin: not applicable. Functional consequence: retained intron. Not counted in ClinVar's aggregate classification.

Dr. Peter K. Rogan Lab, Western University
No classification provided (evidence only). Condition: Uterine corpus endometrial carcinoma. Review status: no classification provided. Collection method: in vitro. Allele origin: not applicable. Functional consequence: retained intron. Not counted in ClinVar's aggregate classification.

Dr. Peter K. Rogan Lab, Western University
No classification provided (evidence only). Condition: Cervical cancer. Review status: no classification provided. Collection method: in vitro. Allele origin: not applicable. Functional consequence: retained intron. Not counted in ClinVar's aggregate classification.

Dr. Peter K. Rogan Lab, Western University
No classification provided (evidence only). Condition: Cervical cancer. Review status: no classification provided. Collection method: in vitro. Allele origin: not applicable. Functional consequence: retained intron. Not counted in ClinVar's aggregate classification.

Dr. Peter K. Rogan Lab, Western University
No classification provided (evidence only). Condition: Gastric cancer. Review status: no classification provided. Collection method: in vitro. Allele origin: not applicable. Functional consequence: retained intron. Not counted in ClinVar's aggregate classification.

Dr. Peter K. Rogan Lab, Western University
No classification provided (evidence only). Condition: Uterine carcinosarcoma. Review status: no classification provided. Collection method: in vitro. Allele origin: not applicable. Functional consequence: retained intron. Not counted in ClinVar's aggregate classification.

NM_018648.4(NOP10):c.55-10C>A

Gene: NOP10 (NOP10 ribonucleoprotein; minus strand). Cytogenetic location: 15q14.
Variant type: single nucleotide variant.
Coding change: c.55-10C>A on transcript NM_018648.4 (MANE Select); 10 bases into the intron before coding-DNA position 55, C replaced by A.
Molecular consequence: intron variant.
Genome position (GRCh38, 1-based): chr15:34,342,118, G>T on the plus strand (C>A on the coding strand, the complement: NOP10 is on the minus strand). VCF-style: chr15-34342118-G-T. GRCh37 (hg19) VCF-style: chr15-34634319-G-T.
Other names: p.?.
Identifiers: ClinVar variation 466307 (VCV000466307.44), dbSNP rs200017156, ClinGen allele CA7464782.